The following is an entry in ClinVar:

ClinVar aggregate classification (germline): Pathogenic. Review status: criteria provided, multiple submitters, no conflicts (2 of 4 stars). 2 submissions from 2 submitters: Pathogenic (2). Last evaluated 2026-07-13.

Conditions:
Hereditary cancer-predisposing syndrome. Also called: Hereditary neoplastic syndrome; Neoplastic Syndromes, Hereditary; Tumor predisposition; Hereditary Cancer Syndrome. Identifiers: Orphanet 140162, MedGen C0027672, MeSH D009386, MONDO:0015356.
Cardiovascular phenotype. Identifiers: MedGen CN230736.
Neurofibromatosis, type 1 (NF1). Also called: NEUROFIBROMATOSIS, TYPE I, SOMATIC; VON RECKLINGHAUSEN DISEASE; Peripheral type neurofibromatosis; Neurofibromatosis, type I. Identifiers: Orphanet 636, MedGen C0027831, MONDO:0018975, OMIM 162200. Disease mechanism: loss of function.

Submissions (2):

Ambry Genetics
Classification: Pathogenic for Cardiovascular phenotype; Hereditary cancer-predisposing syndrome. Last evaluated: 2026-07-13. Review status: criteria provided, single submitter. Criteria: Ambry Variant Classification Scheme 2023. Collection method: clinical testing. Allele origin: germline.
Comment: The c.7110dupT pathogenic mutation, located in coding exon 47 of the NF1 gene, results from a duplication of T at nucleotide position 7110, causing a translational frameshift with a predicted alternate stop codon (p.G2371Wfs*30). This variant was reported in individual(s) with features consistent with Neurofibromatosis type 1 (Ambry internal data). This variant is considered to be rare based on population cohorts in the Genome Aggregation Database (gnomAD). This alteration is expected to result in loss of function by premature protein truncation or nonsense-mediated mRNA decay. As such, this alteration is interpreted as a disease-causing mutation.

Labcorp Genetics (formerly Invitae), Labcorp
Classification: Pathogenic for Neurofibromatosis, type 1. Last evaluated: 2022-09-03. Review status: criteria provided, single submitter. Criteria: Invitae Variant Classification Sherloc (09022015). Collection method: clinical testing. Allele origin: germline.
Comment: For these reasons, this variant has been classified as Pathogenic. This variant is not present in population databases (gnomAD no frequency). This sequence change creates a premature translational stop signal (p.Gly2371Trpfs*30) in the NF1 gene. It is expected to result in an absent or disrupted protein product. Loss-of-function variants in NF1 are known to be pathogenic (PMID: 10712197, 23913538). This variant has not been reported in the literature in individuals affected with NF1-related conditions.

Literature cited by the submitters: PubMed 10712197 (cited by Labcorp Genetics (formerly Invitae), Labcorp); PubMed 23913538 (cited by Labcorp Genetics (formerly Invitae), Labcorp).

NM_001042492.3(NF1):c.7173dup (p.Gly2392fs)

Gene: NF1 (neurofibromin 1; plus strand). Cytogenetic location: 17q11.2.
Variant type: Duplication.
Coding change: c.7173dup on transcript NM_001042492.3 (MANE Select); coding-DNA position 7173, one base duplicated (T; older notation c.7173dupT).
Protein change: p.Gly2392fs; shifts the reading frame from glycine 2392.
Molecular consequence: frameshift variant.
Genome position (GRCh38, 1-based): chr17:31,343,119, T duplicated; the last of 2 consecutive T bases (chr17:31,343,118-31,343,119); duplicating either gives the same sequence. VCF-style (leftmost placement, unchanged base first): chr17-31343117-G-GT. GRCh37 (hg19) VCF-style: chr17-29670135-G-GT.
Other names: c.7110dupT (NM_000267.3); c.7110dup, p.Gly2371Trpfs (NM_000267.4); short protein forms G2371fs, G2392fs.
Identifiers: ClinVar variation 2028885 (VCV002028885.5), dbSNP rs2508780286, ClinGen allele CA2580093272.